The following is an entry in ClinVar:

NM_032444.4(SLX4):c.2635T>G (p.Trp879Gly)

Gene: SLX4 (SLX4 structure-specific endonuclease subunit; minus strand). Cytogenetic location: 16p13.3.
Variant type: single nucleotide variant.
Coding change: c.2635T>G on transcript NM_032444.4 (MANE Select); coding-DNA position 2635, T replaced by G.
Protein change: p.Trp879Gly; replaces tryptophan 879 with glycine.
Molecular consequence: missense variant.
Genome position (GRCh38, 1-based): chr16:3,591,003, A>C on the plus strand (T>G on the coding strand, the complement: SLX4 is on the minus strand). VCF-style: chr16-3591003-A-C. GRCh37 (hg19) VCF-style: chr16-3641004-A-C.
Other names: short protein forms W879G.
Identifiers: ClinVar variation 4883278 (VCV004883278.2).
Genomic context (GRCh38, chr16:3,591,003, plus strand): 5'-GTTTCTGCACCTGGACACCTGCTAGGAGTTGCCCAGAAACCGGACTGCCACCCTCCAGCC[A>C]GTCAGCGTCCTCGCCGGCACCCGCTGCCCTTTCTTCCTGGAGAAGCTTTCGCTGAGTAGC-3'
Protein context (NP_115820.2, residues 869-889): RAAGAGEDAD[Trp879Gly]LEGGSPVSGQ

ClinVar aggregate classification (germline): Uncertain significance (1 of 4 stars; one submission).

Submission:

Dasa
Classification: Uncertain significance. Last evaluated: 2025-03-23. Review status: criteria provided, single submitter. Criteria: DASA Assertion Criteria. Collection method: clinical testing. Allele origin: germline.
Comment: NM_032444.4(SLX4):c.2635T>G (p.Trp879Gly) is a missense variant that results in the substitution of tryptophan with glycine. This variant is absent from population databases. Computational prediction algorithms are consistent with a benign effect. The currently available literature and clinical evidence are not sufficient to establish a definitive association between this variant and the reported condition. Therefore, this variant is classified as a variant of uncertain significance.